The following is an entry in ClinVar:

ClinVar aggregate classification (germline): Uncertain significance. Review status: criteria provided, multiple submitters, no conflicts (2 of 4 stars). 2 submissions from 2 submitters: Uncertain significance (2). Last evaluated 2023-07-25.

Allele frequency attached by ClinVar (database versions not stated): gnomAD 0.00001; ExAC 0.00002; gnomAD exomes 0.00002; TOPMed 0.00002.
gnomAD v4.1: 37 of 1,568,972 alleles (0.0024%); highest among the groups gnomAD compares: Non-Finnish European, 0.0028%; no homozygotes.

Submissions (2):

Women's Health and Genetics/Laboratory Corporation of America, LabCorp
Classification: Uncertain significance. Last evaluated: 2023-07-25. Review status: criteria provided, single submitter. Criteria: LabCorp Variant Classification Summary - May 2015. Collection method: clinical testing. Allele origin: germline.
Comment: Variant summary: FBXO38 c.2428+152T>A is located at a position not widely known to affect splicing. Computational tools predict no significant impact on normal splicing. However, these predictions have yet to be confirmed by functional studies. The variant allele was found at a frequency of 2.4e-05 in 205968 control chromosomes (gnomAD). The available data on variant occurrences in the general population are insufficient to allow any conclusion about variant significance. To our knowledge, no occurrence of c.2428+152T>A in individuals affected with Neuronopathy, Distal Hereditary Motor, Type 2D and no experimental evidence demonstrating its impact on protein function have been reported. One ClinVar submitter has assessed the variant since 2014, and classified the variant as uncertain significance. Based on the evidence outlined above, the variant was classified as VUS-possibly benign.

Ambry Genetics
Classification: Uncertain significance. Last evaluated: 2021-03-26. Review status: criteria provided, single submitter. Criteria: Ambry Variant Classification Scheme 2023. Collection method: clinical testing. Allele origin: germline.
Comment: The p.N860K variant (also known as c.2580T>A), located in coding exon 14 of the FBXO38 gene, results from a T to A substitution at nucleotide position 2580. The asparagine at codon 860 is replaced by lysine, an amino acid with similar properties. This amino acid position is not well conserved in available vertebrate species. In addition, this alteration is predicted to be tolerated by in silico analysis. Since supporting evidence is limited at this time, the clinical significance of this alteration remains unclear.

NM_205836.3(FBXO38):c.2580T>A (p.Asn860Lys)

Gene: FBXO38 (F-box protein 38; plus strand). Cytogenetic location: 5q32.
Variant type: single nucleotide variant.
Coding change: c.2580T>A on transcript NM_205836.3 (MANE Select); coding-DNA position 2580, T replaced by A.
Protein change: p.Asn860Lys; replaces asparagine 860 with lysine.
Molecular consequence: missense variant. On other transcripts: intron variant (2).
Genome position (GRCh38, 1-based): chr5:148,427,874, T>A. VCF-style: chr5-148427874-T-A. GRCh37 (hg19) VCF-style: chr5-147807437-T-A.
Other names: c.2428+152T>A (NM_030793.5, NM_030793.4); c.1918+2173T>A (NM_001271723.2); short protein forms N860K.
Identifiers: ClinVar variation 1793375 (VCV001793375.3), dbSNP rs770834395, ClinGen allele CA3497541.
Genomic context (GRCh38, chr5:148,427,874, plus strand): 5'-GGCTACAGGTGAGGACAGGAGGGGGAGCTCCCAGCCTGAGAGTTGTGACGTGCAGTCTAA[T>A]GAAGACTACCCTCGGAGGCCCCTAACCAGGGCCAGGAGCAGACTGTCCCATGTACTGCTG-3'
Protein context (NP_995308.1, residues 850-870): SQPESCDVQS[Asn860Lys]EDYPRRPLTR